The following is an entry in ClinVar:

NM_032119.4(ADGRV1):c.5633C>T (p.Pro1878Leu)

Gene: ADGRV1 (adhesion G protein-coupled receptor V1; plus strand). Cytogenetic location: 5q14.3.
Variant type: single nucleotide variant.
Coding change: c.5633C>T on transcript NM_032119.4 (MANE Select); coding-DNA position 5633, C replaced by T.
Protein change: p.Pro1878Leu; replaces proline 1878 with leucine.
Molecular consequence: missense variant. On other transcripts: non-coding transcript variant (1).
Genome position (GRCh38, 1-based): chr5:90,681,423, C>T. VCF-style: chr5-90681423-C-T. GRCh37 (hg19) VCF-style: chr5-89977240-C-T.
Other names: short protein forms P1878L.
Identifiers: ClinVar variation 4742500 (VCV004742500.1).

ClinVar aggregate classification (germline): Uncertain significance (1 of 4 stars; one submission).

gnomAD v4.1: 1 of 1,613,666 alleles (0.000062%); highest among the groups gnomAD compares: Non-Finnish European, 0.000085%; no homozygotes.

Submission:

Labcorp Genetics (formerly Invitae), Labcorp
Classification: Uncertain significance. Last evaluated: 2025-11-30. Review status: criteria provided, single submitter. Criteria: Invitae Variant Classification Sherloc (09022015). Collection method: clinical testing. Allele origin: germline.
Comment: This sequence change replaces proline, which is neutral and non-polar, with leucine, which is neutral and non-polar, at codon 1878 of the ADGRV1 protein (p.Pro1878Leu). This variant is not present in population databases (gnomAD no frequency). This variant has not been reported in the literature in individuals affected with ADGRV1-related conditions. Invitae Evidence Modeling of protein sequence and biophysical properties (such as structural, functional, and spatial information, amino acid conservation, physicochemical variation, residue mobility, and thermodynamic stability) indicates that this missense variant is not expected to disrupt ADGRV1 protein function with a negative predictive value of 95%. In summary, the available evidence is currently insufficient to determine the role of this variant in disease. Therefore, it has been classified as a Variant of Uncertain Significance.